The following is an entry in ClinVar:

ClinVar aggregate classification (germline): Uncertain significance. Review status: criteria provided, multiple submitters, no conflicts (2 of 4 stars). 2 submissions from 2 submitters: Uncertain significance (2). Last evaluated 2023-07-26.

Submissions (2):

Labcorp Genetics (formerly Invitae), Labcorp
Classification: Uncertain significance. Last evaluated: 2023-07-26. Review status: criteria provided, single submitter. Criteria: Invitae Variant Classification Sherloc (09022015). Collection method: clinical testing. Allele origin: germline.
Comment: This sequence change replaces glycine, which is neutral and non-polar, with serine, which is neutral and polar, at codon 568 of the COL9A2 protein (p.Gly568Ser). This variant is not present in population databases (gnomAD no frequency). This variant has not been reported in the literature in individuals affected with COL9A2-related conditions. ClinVar contains an entry for this variant (Variation ID: 2499229). Advanced modeling of protein sequence and biophysical properties (such as structural, functional, and spatial information, amino acid conservation, physicochemical variation, residue mobility, and thermodynamic stability) performed at Invitae indicates that this missense variant is expected to disrupt COL9A2 protein function. In summary, the available evidence is currently insufficient to determine the role of this variant in disease. Therefore, it has been classified as a Variant of Uncertain Significance.

GeneDx
Classification: Uncertain significance. Last evaluated: 2022-10-14. Review status: criteria provided, single submitter. Criteria: GeneDx Variant Classification Process June 2021. Collection method: clinical testing. Allele origin: germline. Affected: yes.
Comment: Not observed at significant frequency in large population cohorts (gnomAD); In silico analysis supports that this missense variant has a deleterious effect on protein structure/function; Has not been previously published as pathogenic or benign to our knowledge

NM_001852.4(COL9A2):c.1702G>A (p.Gly568Ser)

Gene: COL9A2 (collagen type IX alpha 2 chain; minus strand). Cytogenetic location: 1p34.2.
Variant type: single nucleotide variant.
Coding change: c.1702G>A on transcript NM_001852.4 (MANE Select); coding-DNA position 1702, G replaced by A.
Protein change: p.Gly568Ser; replaces glycine 568 with serine.
Molecular consequence: missense variant.
Genome position (GRCh38, 1-based): chr1:40,302,711, C>T on the plus strand (G>A on the coding strand, the complement: COL9A2 is on the minus strand). VCF-style: chr1-40302711-C-T. GRCh37 (hg19) VCF-style: chr1-40768383-C-T.
Other names: short protein forms G568S.
Identifiers: ClinVar variation 2499229 (VCV002499229.4), dbSNP rs764583970, ClinGen allele CA21041186.